The following is an entry in ClinVar:

NM_004646.4(NPHS1):c.1632_1634del (p.Pro545del)

Gene: NPHS1 (NPHS1 adhesion molecule, nephrin; minus strand). Cytogenetic location: 19q13.12.
Variant type: Deletion.
Coding change: c.1632_1634del on transcript NM_004646.4 (MANE Select); coding-DNA positions 1632 to 1634, 3 bases deleted (CCC; older notation c.1632_1634delCCC).
Protein change: p.Pro545del; deletes proline 545.
Molecular consequence: inframe deletion. On other transcripts: inframe indel (1).
Genome position (GRCh38, 1-based): chr19:35,845,792-35,845,794, GGG deleted on the plus strand (CCC on the coding strand, the reverse complement: NPHS1 is on the minus strand); deleting any 3 consecutive bases within chr19:35,845,792-35,845,796 gives the same sequence; the c. name uses the placement nearest the transcript's 3' end. VCF-style (leftmost placement, unchanged base first): chr19-35845791-TGGG-T. GRCh37 (hg19) VCF-style: chr19-36336693-TGGG-T.
Other names: c.1630_1632delCCC, p.Pro545del (NM_004646.3); short protein forms P545del.
Identifiers: ClinVar variation 4815380 (VCV004815380.1).

ClinVar aggregate classification (germline): Likely pathogenic (1 of 4 stars; one submission).

Conditions:
Finnish congenital nephrotic syndrome (NPHS1). Also called: NEPHROTIC SYNDROME, TYPE 1. Identifiers: Orphanet 839, MedGen C0403399, MONDO:0009732, OMIM 256300.

Submission:

Natera, Inc.
Classification: Likely pathogenic for Finnish congenital nephrotic syndrome. Last evaluated: 2025-07-10. Review status: criteria provided, single submitter. Criteria: Natera Variant Classification Schema (03/2026). Collection method: clinical testing. Allele origin: germline.
Comment: The c.1632_1634del variant in NPHS1 is an in-frame deletion predicted to remove proline at amino acid 545 while preserving the reading frame. This variant is rare in the general population with a frequency below the threshold expected for the associated phenotype(s). This variant has been observed in one or more individuals affected with the associated recessive disease, as either homozygous or compound heterozygous with a second variant (PMID: 30963316, 32604935). This variant results in a change to the protein length while preserving reading frame, which may disrupt normal protein structure or function. Given the available evidence, this variant is classified as Likely Pathogenic.

Literature cited by the submitters: PubMed 30963316; PubMed 32604935.